The following is an entry in ClinVar:

ClinVar aggregate classification (germline): Likely benign (1 of 4 stars; one submission).

Allele frequency attached by ClinVar (database versions not stated): 1000 Genomes Project 30x 0.00016; 1000 Genomes Project 0.00020; ExAC 0.00130; gnomAD 0.00134; TOPMed 0.00144; gnomAD exomes 0.00242; ESP Exome Variant Server 0.00246.
gnomAD v4.1: 3,749 of 1,614,148 alleles (0.23%); highest among the groups gnomAD compares: Non-Finnish European, 0.29%; 7 homozygotes.

Submission:

CeGaT Center for Human Genetics Tuebingen
Classification: Likely benign. Last evaluated: 2023-04-01. Review status: criteria provided, single submitter. Criteria: CeGaT Center For Human Genetics Tuebingen Variant Classification Criteria Version 2. Collection method: clinical testing. Allele origin: germline. Affected: yes. Observed: 2 variant alleles.
Comment: CEMIP2: BP4, BP7

NM_013390.3(CEMIP2):c.3735C>T (p.Val1245=)

Genes: CEMIP2 (cell migration inducing hyaluronidase 2; minus strand), LOC126860635 (CDK7 strongly-dependent group 2 enhancer GRCh37_chr9:74304891-74306090; plus strand). Cytogenetic location: 9q21.13.
Variant type: single nucleotide variant.
Coding change: c.3735C>T on transcript NM_013390.3 (MANE Select); coding-DNA position 3735, C replaced by T.
Protein change: p.Val1245=; no amino-acid change (valine 1245 retained).
Molecular consequence: synonymous variant.
Genome position (GRCh38, 1-based): chr9:71,690,208, G>A on the plus strand (C>T on the coding strand, the complement: CEMIP2 is on the minus strand). VCF-style: chr9-71690208-G-A. GRCh37 (hg19) VCF-style: chr9-74305124-G-A.
Other names: c.3546C>T, p.Val1182= (NM_001135820.2); c.1821C>T, p.Val607= (NM_001349784.2).
Identifiers: ClinVar variation 2659253 (VCV002659253.24), dbSNP rs146250740, ClinGen allele CA5079305.